The following is an entry in ClinVar:

NM_016222.4(DDX41):c.511G>A (p.Val171Met)

Gene: DDX41 (DEAD-box helicase 41; minus strand). Cytogenetic location: 5q35.3.
Variant type: single nucleotide variant.
Coding change: c.511G>A on transcript NM_016222.4 (MANE Select); coding-DNA position 511, G replaced by A.
Protein change: p.Val171Met; replaces valine 171 with methionine.
Molecular consequence: missense variant.
Genome position (GRCh38, 1-based): chr5:177,515,745, C>T on the plus strand (G>A on the coding strand, the complement: DDX41 is on the minus strand). VCF-style: chr5-177515745-C-T. GRCh37 (hg19) VCF-style: chr5-176942746-C-T.
Other names: c.133G>A, p.Val45Met (NM_001321732.2, NM_001321830.2); short protein forms V171M, V45M.
Identifiers: ClinVar variation 4010325 (VCV004010325.1).
Genomic context (GRCh38, chr5:177,515,745, plus strand): 5'-CTGCAGGAAACTTCATTTCCTTGAAGCTCTTGATGGGTGGTGGGATACCGTCTCCCTCCA[C>T]CAGGATGTGGTATTTCTTCCGCACGCGCTCATGTCGCTCTTCAGACATGCTCAGAACATA-3'
Protein context (NP_057306.2, residues 161-181): ERVRKKYHIL[Val171Met]EGDGIPPPIK

ClinVar aggregate classification (germline): Uncertain significance (1 of 4 stars; one submission).

Conditions:
Inborn genetic diseases. Identifiers: MedGen C0950123, MeSH D030342.

Submission:

Ambry Genetics
Classification: Uncertain significance for Inborn genetic diseases. Last evaluated: 2025-04-18. Review status: criteria provided, single submitter. Criteria: Ambry Variant Classification Scheme 2023. Collection method: clinical testing. Allele origin: germline.
Comment: The p.V171M variant (also known as c.511G>A), located in coding exon 6 of the DDX41 gene, results from a G to A substitution at nucleotide position 511. The valine at codon 171 is replaced by methionine, an amino acid with highly similar properties. This amino acid position is conserved. In addition, this alteration is predicted to be tolerated by in silico analysis. Based on the available evidence, the clinical significance of this variant remains unclear.